The following is an entry in ClinVar:

ClinVar aggregate classification (germline): Uncertain significance. Review status: criteria provided, multiple submitters, no conflicts (2 of 4 stars). 6 submissions from 6 submitters: Uncertain significance (4). 2 of the submissions do not count toward it. Last evaluated 2025-12-23.

Conditions:
HYPERHOMOCYSTEINEMIA, THROMBOTIC, CBS-RELATED. Identifiers: MedGen C3150344, OMIM 236200.
Familial thoracic aortic aneurysm and aortic dissection (TAAD). Also called: Thoracic aortic aneurysms and dissections. Identifiers: Orphanet 91387, MedGen C4707243, MONDO:0019625.
Classic homocystinuria. Also called: Homocystinuria due to Cystathionine Beta-Synthase Deficiency; Homocystinuria due to CBS deficiency; Cystathionine beta-synthase deficiency; CBS deficiency; HOMOCYSTINURIA WITH OR WITHOUT RESPONSE TO PYRIDOXINE. Identifiers: Orphanet 394, MedGen C0751202, MONDO:0009352, OMIM 236200.

Allele frequency attached by ClinVar (database versions not stated): gnomAD exomes 0.00005; ExAC 0.00006.

Submissions (6):

Ambry Genetics
Classification: Uncertain significance for Familial thoracic aortic aneurysm and aortic dissection. Last evaluated: 2025-12-23. Review status: criteria provided, single submitter. Criteria: Ambry Variant Classification Scheme 2023. Collection method: clinical testing. Allele origin: germline.
Comment: The p.T318M variant (also known as c.953C>T), located in coding exon 8 of the CBS gene, results from a C to T substitution at nucleotide position 953. The threonine at codon 318 is replaced by methionine, an amino acid with similar properties. This amino acid position is not well conserved in available vertebrate species. In addition, the in silico prediction for this alteration is inconclusive. Based on the available evidence, the clinical significance of this variant remains unclear.

GeneDx
Classification: Uncertain significance. Last evaluated: 2025-12-09. Review status: criteria provided, single submitter. Criteria: GeneDx Variant Classification Process June 2021. Collection method: clinical testing. Allele origin: germline.
Comment: Has not been previously reported as pathogenic or benign in association with CBS-related disorders to our knowledge; In silico analysis suggests that this missense variant does not alter protein structure/function; This variant is associated with the following publications: (PMID: 28472652)

Labcorp Genetics (formerly Invitae), Labcorp
Classification: Uncertain significance for HYPERHOMOCYSTEINEMIA, THROMBOTIC, CBS-RELATED. Last evaluated: 2025-08-21. Review status: criteria provided, single submitter. Criteria: Invitae Variant Classification Sherloc (09022015). Collection method: clinical testing. Allele origin: germline.
Comment: This sequence change replaces threonine, which is neutral and polar, with methionine, which is neutral and non-polar, at codon 318 of the CBS protein (p.Thr318Met). This variant is present in population databases (rs769541394, gnomAD 0.02%). This variant has not been reported in the literature in individuals affected with CBS-related conditions. ClinVar contains an entry for this variant (Variation ID: 405378). An algorithm developed to predict the effect of missense changes on protein structure and function (PolyPhen-2) suggests that this variant is likely to be tolerated. In summary, the available evidence is currently insufficient to determine the role of this variant in disease. Therefore, it has been classified as a Variant of Uncertain Significance.

ARUP Laboratories, Molecular Genetics and Genomics, ARUP Laboratories
Classification: Uncertain significance. Last evaluated: 2018-06-29. Review status: criteria provided, single submitter. Criteria: ARUP Molecular Germline Variant Investigation Process. Collection method: clinical testing. Allele origin: germline.
Comment: The CBS c.953C>T; p.Thr318Met variant (rs769541394), to our knowledge, is not reported in the medical literature in association with a CBS related disorder, but it is reported as a variant of uncertain significance in ClinVar (Variation ID: 405378). This variant is found in the general population with an overall allele frequency of 0.0045% (11/245,976 alleles) in the Genome Aggregation Database. The threonine at codon 318 is weakly conserved, but computational analyses (SIFT, PolyPhen-2) predict that this variant is deleterious. Due to limited information, the clinical significance of the c.953C>T variant is uncertain at this time.

Natera, Inc.
Classification: Uncertain significance for Homocystinuria due to cystathionine beta-synthase deficiency. Last evaluated: 2020-01-24. Review status: no assertion criteria provided. Collection method: clinical testing. Allele origin: germline. Not counted in ClinVar's aggregate classification.

Counsyl
Classification: Uncertain significance for Classic homocystinuria. Last evaluated: 2018-04-12. Review status: no assertion criteria provided. Collection method: clinical testing. Allele origin: unknown. Not counted in ClinVar's aggregate classification.

NM_000071.3(CBS):c.953C>T (p.Thr318Met)

Gene: CBS (cystathionine beta-synthase; minus strand). Cytogenetic location: 21q22.3.
Variant type: single nucleotide variant.
Coding change: c.953C>T on transcript NM_000071.3 (MANE Select); coding-DNA position 953, C replaced by T.
Protein change: p.Thr318Met; replaces threonine 318 with methionine.
Molecular consequence: missense variant.
Genome position (GRCh38, 1-based): chr21:43,062,954, G>A on the plus strand (C>T on the coding strand, the complement: CBS is on the minus strand). VCF-style: chr21-43062954-G-A. GRCh37 (hg19) VCF-style: chr21-44483064-G-A.
Other names: c.953C>T, p.Thr318Met (NM_001178008.3, NM_001178009.3, NM_001320298.2); c.638C>T, p.Thr213Met (NM_001321072.1); short protein forms T318M, T213M.
Identifiers: ClinVar variation 405378 (VCV000405378.21), dbSNP rs769541394, ClinGen allele CA16616303.